The following is an entry in ClinVar:

ClinVar aggregate classification (germline): Uncertain significance. Review status: criteria provided, multiple submitters, no conflicts (2 of 4 stars). 2 submissions from 2 submitters: Uncertain significance (2). Last evaluated 2022-03-10.

Conditions:
Neuronopathy, distal hereditary motor, autosomal recessive 4. Also called: Autosomal recessive lower motor neuron disease with childhood onset; NEUROPATHY, DISTAL HEREDITARY MOTOR, AUTOSOMAL RECESSIVE 4. Identifiers: Orphanet 206580, MedGen C1970211, MONDO:0012608, OMIM 611067.
Charcot-Marie-Tooth disease recessive intermediate C. Also called: CHARCOT-MARIE-TOOTH NEUROPATHY, RECESSIVE INTERMEDIATE C. Identifiers: Orphanet 369867, MedGen C3809309, MONDO:0014154, OMIM 615376.

Allele frequency attached by ClinVar (database versions not stated): gnomAD 0.00002; TOPMed 0.00002; gnomAD exomes 0.00005 and 0.00009; ExAC 0.00008; 1000 Genomes Project 30x 0.00016.
gnomAD v4.1: 68 of 1,548,946 alleles (0.0044%); highest among the groups gnomAD compares: East Asian, 0.16%; no homozygotes.

Submissions (2):

Labcorp Genetics (formerly Invitae), Labcorp
Classification: Uncertain significance for Neuronopathy, distal hereditary motor, autosomal recessive 4; Charcot-Marie-Tooth disease recessive intermediate C. Last evaluated: 2022-03-10. Review status: criteria provided, single submitter. Criteria: Invitae Variant Classification Sherloc (09022015). Collection method: clinical testing. Allele origin: germline.
Comment: This sequence change replaces alanine, which is neutral and non-polar, with valine, which is neutral and non-polar, at codon 466 of the PLEKHG5 protein (p.Ala466Val). The frequency data for this variant in the population databases is considered unreliable, as metrics indicate poor data quality at this position in the gnomAD database. This variant has not been reported in the literature in individuals affected with PLEKHG5-related conditions. ClinVar contains an entry for this variant (Variation ID: 876728). Algorithms developed to predict the effect of missense changes on protein structure and function are either unavailable or do not agree on the potential impact of this missense change (SIFT: "Deleterious"; PolyPhen-2: "Benign"; Align-GVGD: "Class C0"). In summary, the available evidence is currently insufficient to determine the role of this variant in disease. Therefore, it has been classified as a Variant of Uncertain Significance.

Illumina Laboratory Services, Illumina
Classification: Uncertain significance for Neuronopathy, distal hereditary motor, autosomal recessive 4. Last evaluated: 2018-01-13. Review status: criteria provided, single submitter. Criteria: ICSL Variant Classification Criteria 13 December 2019. Collection method: clinical testing. Allele origin: germline.

NM_020631.6(PLEKHG5):c.1397C>T (p.Ala466Val)

Gene: PLEKHG5 (pleckstrin homology and RhoGEF domain containing G5; minus strand). Cytogenetic location: 1p36.31.
Variant type: single nucleotide variant.
Coding change: c.1397C>T on transcript NM_020631.6 (MANE Select); coding-DNA position 1397, C replaced by T.
Protein change: p.Ala466Val; replaces alanine 466 with valine.
Molecular consequence: missense variant.
Genome position (GRCh38, 1-based): chr1:6,470,880, G>A on the plus strand (C>T on the coding strand, the complement: PLEKHG5 is on the minus strand). VCF-style: chr1-6470880-G-A. GRCh37 (hg19) VCF-style: chr1-6530940-G-A.
Other names: c.1508C>T, p.Ala503Val (NM_001042663.3, NM_001265592.2); c.1397C>T, p.Ala466Val (NM_001042664.2, NM_001042665.2, NM_001265594.3 and 1 more transcripts); c.1604C>T, p.Ala535Val (NM_001265593.2); short protein forms A466V, A535V, A503V.
Identifiers: ClinVar variation 876728 (VCV000876728.6), dbSNP rs199839017, ClinGen allele CA561514.